The following is an entry in ClinVar:

ClinVar aggregate classification (germline): not provided (0 of 4 stars; one submission).

Allele frequency attached by ClinVar (database versions not stated): ExAC 0.00003; gnomAD exomes 0.00003 and 0.00008; gnomAD 0.00004 and 0.00005; TOPMed 0.00004.

Submission:

ITMI
No classification provided. Condition: AllHighlyPenetrant. Last evaluated: 2013-09-19. Review status: no classification provided. Collection method: reference population. Allele origin: germline.
Comment: Please see associated publication for description of ethnicities

Literature cited by the submitters: PubMed 24728327.

NM_004119.3(FLT3):c.784C>T (p.Leu262Phe)

Gene: FLT3 (fms related receptor tyrosine kinase 3; minus strand). Cytogenetic location: 13q12.2.
Variant type: single nucleotide variant.
Coding change: c.784C>T on transcript NM_004119.3 (MANE Select); coding-DNA position 784, C replaced by T.
Protein change: p.Leu262Phe; replaces leucine 262 with phenylalanine.
Molecular consequence: missense variant. On other transcripts: non-coding transcript variant (1).
Genome position (GRCh38, 1-based): chr13:28,049,733, G>A on the plus strand (C>T on the coding strand, the complement: FLT3 is on the minus strand). VCF-style: chr13-28049733-G-A. GRCh37 (hg19) VCF-style: chr13-28623870-G-A.
Other names: short protein forms L262F.
Identifiers: ClinVar variation 134449 (VCV000134449.1), dbSNP rs587778370, ClinGen allele CA159852.